The following is an entry in ClinVar:

NM_004168.4(SDHA):c.1985G>C (p.Arg662Pro)

Gene: SDHA (succinate dehydrogenase complex flavoprotein subunit A; plus strand). Cytogenetic location: 5p15.33.
Variant type: single nucleotide variant.
Coding change: c.1985G>C on transcript NM_004168.4 (MANE Select); coding-DNA position 1985, G replaced by C.
Protein change: p.Arg662Pro; replaces arginine 662 with proline.
Molecular consequence: missense variant.
Genome position (GRCh38, 1-based): chr5:256,410, G>C. VCF-style: chr5-256410-G-C. GRCh37 (hg19) VCF-style: chr5-256525-G-C.
Other names: c.1841G>C, p.Arg614Pro (NM_001294332.2); c.1742G>C, p.Arg581Pro (NM_001330758.2); short protein forms R581P, R614P, R662P.
Identifiers: ClinVar variation 2574181 (VCV002574181.1), dbSNP rs1042457, ClinGen allele CA359003179.
Genomic context (GRCh38, chr5:256,410, plus strand): 5'-GACCCGTGATCGACAAAACTTTGAACGAGGCTGACTGTGCCACCGTCCCGCCAGCCATTC[G>C]CTCCTACTGATGAGACAAGATGTGGTGATGACAGAATCAGCTTTTGTAATTATGTATAAT-3'
Protein context (NP_004159.2, residues 652-664): ADCATVPPAI[Arg662Pro]SY

ClinVar aggregate classification (germline): Uncertain significance (1 of 4 stars; one submission).

Submission:

GeneDx
Classification: Uncertain significance. Last evaluated: 2023-01-24. Review status: criteria provided, single submitter. Criteria: GeneDx Variant Classification Process June 2021. Collection method: clinical testing. Allele origin: germline. Affected: yes.
Comment: Has not been previously published as pathogenic or benign to our knowledge; Not observed at significant frequency in large population cohorts (gnomAD); In silico analysis supports that this missense variant has a deleterious effect on protein structure/function